The following is an entry in ClinVar:

NM_000271.5(NPC1):c.1436G>C (p.Cys479Ser)

Gene: NPC1 (NPC intracellular cholesterol transporter 1; minus strand). Cytogenetic location: 18q11.2.
Variant type: single nucleotide variant.
Coding change: c.1436G>C on transcript NM_000271.5 (MANE Select); coding-DNA position 1436, G replaced by C.
Protein change: p.Cys479Ser; replaces cysteine 479 with serine.
Molecular consequence: missense variant.
Genome position (GRCh38, 1-based): chr18:23,554,875, C>G on the plus strand (G>C on the coding strand, the complement: NPC1 is on the minus strand). VCF-style: chr18-23554875-C-G. GRCh37 (hg19) VCF-style: chr18-21134839-C-G.
Other names: short protein forms C479S.
Identifiers: ClinVar variation 2850689 (VCV002850689.3), dbSNP rs1555636659, ClinGen allele CA401775698.

ClinVar aggregate classification (germline): Likely pathogenic (1 of 4 stars; one submission).

Conditions:
Niemann-Pick disease, type C1. Also called: NEUROVISCERAL STORAGE DISEASE WITH VERTICAL SUPRANUCLEAR OPHTHALMOPLEGIA; NIEMANN-PICK DISEASE WITH CHOLESTEROL ESTERIFICATION BLOCK; NIEMANN-PICK DISEASE WITHOUT SPHINGOMYELINASE DEFICIENCY; NIEMANN-PICK DISEASE, CHRONIC NEURONOPATHIC FORM; NIEMANN-PICK DISEASE, VARIANT TYPE C1. Identifiers: Orphanet 646, MedGen C3179455, MONDO:0009757, OMIM 257220.

Submission:

Labcorp Genetics (formerly Invitae), Labcorp
Classification: Likely pathogenic for Niemann-Pick disease, type C1. Last evaluated: 2023-03-29. Review status: criteria provided, single submitter. Criteria: Invitae Variant Classification Sherloc (09022015). Collection method: clinical testing. Allele origin: germline.
Comment: This variant disrupts the p.Cys479 amino acid residue in NPC1. Other variant(s) that disrupt this residue have been determined to be pathogenic (PMID: 16098014, 20718790; Invitae). This suggests that this residue is clinically significant, and that variants that disrupt this residue are likely to be disease-causing. In summary, the currently available evidence indicates that the variant is pathogenic, but additional data are needed to prove that conclusively. Therefore, this variant has been classified as Likely Pathogenic. Advanced modeling of protein sequence and biophysical properties (such as structural, functional, and spatial information, amino acid conservation, physicochemical variation, residue mobility, and thermodynamic stability) performed at Invitae indicates that this missense variant is expected to disrupt NPC1 protein function. This variant has not been reported in the literature in individuals affected with NPC1-related conditions. This variant is not present in population databases (gnomAD no frequency). This sequence change replaces cysteine, which is neutral and slightly polar, with serine, which is neutral and polar, at codon 479 of the NPC1 protein (p.Cys479Ser).

Literature cited by the submitters: PubMed 16098014; PubMed 20718790.